The following is an entry in ClinVar:

ClinVar aggregate classification (germline): Uncertain significance. Review status: criteria provided, multiple submitters, no conflicts (2 of 4 stars). 2 submissions from 2 submitters: Uncertain significance (2). Last evaluated 2025-01-03.

Conditions:
Gorlin syndrome. Also called: Basal cell nevus syndrome; Nevoid Basal Cell Carcinoma Syndrome. Identifiers: Orphanet 377, MedGen C0004779, MONDO:0007187.
Medulloblastoma (MDB). Also called: MEDULLOBLASTOMA PREDISPOSITION SYNDROME; Medulloblastoma, somatic. Identifiers: Orphanet 616, MedGen C0025149, MeSH D008527, MONDO:0007959, OMIM 155255, HP:0002885.
Hereditary cancer-predisposing syndrome. Also called: Neoplastic Syndromes, Hereditary; Hereditary Cancer Syndrome; Tumor predisposition; Hereditary neoplastic syndrome. Identifiers: Orphanet 140162, MedGen C0027672, MeSH D009386, MONDO:0015356.

gnomAD v4.1: 1 of 1,611,920 alleles (0.000062%); no homozygotes.

Submissions (2):

Ambry Genetics
Classification: Uncertain significance for Hereditary cancer-predisposing syndrome. Last evaluated: 2025-01-03. Review status: criteria provided, single submitter. Criteria: Ambry Variant Classification Scheme 2023. Collection method: clinical testing. Allele origin: germline.
Comment: The p.I247M variant (also known as c.741C>G), located in coding exon 6 of the SUFU gene, results from a C to G substitution at nucleotide position 741. The isoleucine at codon 247 is replaced by methionine, an amino acid with highly similar properties. This amino acid position is conserved. In addition, the in silico prediction for this alteration is inconclusive. Based on the available evidence, the clinical significance of this variant remains unclear.

Labcorp Genetics (formerly Invitae), Labcorp
Classification: Uncertain significance for Gorlin syndrome; Medulloblastoma. Last evaluated: 2021-02-22. Review status: criteria provided, single submitter. Criteria: Invitae Variant Classification Sherloc (09022015). Collection method: clinical testing. Allele origin: germline.
Comment: This sequence change replaces isoleucine with methionine at codon 247 of the SUFU protein (p.Ile247Met). The isoleucine residue is highly conserved and there is a small physicochemical difference between isoleucine and methionine. This variant is not present in population databases (ExAC no frequency). This variant has not been reported in the literature in individuals with SUFU-related conditions. Algorithms developed to predict the effect of missense changes on protein structure and function are either unavailable or do not agree on the potential impact of this missense change (SIFT: "Deleterious"; PolyPhen-2: "Benign"; Align-GVGD: "Class C0"). In summary, the available evidence is currently insufficient to determine the role of this variant in disease. Therefore, it has been classified as a Variant of Uncertain Significance.

NM_016169.4(SUFU):c.741C>G (p.Ile247Met)

Gene: SUFU (SUFU negative regulator of hedgehog signaling; plus strand). Cytogenetic location: 10q24.32.
Variant type: single nucleotide variant.
Coding change: c.741C>G on transcript NM_016169.4 (MANE Select); coding-DNA position 741, C replaced by G.
Protein change: p.Ile247Met; replaces isoleucine 247 with methionine.
Molecular consequence: missense variant.
Genome position (GRCh38, 1-based): chr10:102,594,050, C>G. VCF-style: chr10-102594050-C-G. GRCh37 (hg19) VCF-style: chr10-104353807-C-G.
Other names: c.741C>G, p.Ile247Met (NM_001178133.2); c.741C>G (NM_016169.3); short protein forms I247M.
Identifiers: ClinVar variation 1433233 (VCV001433233.9), dbSNP rs2135872473, ClinGen allele CA377909903.